The following is an entry in ClinVar:

NM_001375524.1(TRRAP):c.9133C>T (p.Arg3045Trp)

Gene: TRRAP (transformation/transcription domain associated protein; plus strand). Cytogenetic location: 7q22.1.
Variant type: single nucleotide variant.
Coding change: c.9133C>T on transcript NM_001375524.1 (MANE Select); coding-DNA position 9133, C replaced by T.
Protein change: p.Arg3045Trp; replaces arginine 3045 with tryptophan.
Molecular consequence: missense variant.
Genome position (GRCh38, 1-based): chr7:98,984,203, C>T. VCF-style: chr7-98984203-C-T. GRCh37 (hg19) VCF-style: chr7-98581826-C-T.
Other names: c.9145C>T, p.Arg3049Trp (NM_001244580.2); c.9058C>T, p.Arg3020Trp (NM_003496.4); short protein forms R3020W, R3045W, R3049W.
Identifiers: ClinVar variation 4806921 (VCV004806921.1).

ClinVar aggregate classification (germline): Uncertain significance (1 of 4 stars; one submission).

gnomAD v4.1: 7 of 1,613,974 alleles (0.00043%); highest among the groups gnomAD compares: Non-Finnish European, 0.00059%; no homozygotes.

Submission:

Labcorp Genetics (formerly Invitae), Labcorp
Classification: Uncertain significance. Last evaluated: 2025-03-18. Review status: criteria provided, single submitter. Criteria: Invitae Variant Classification Sherloc (09022015). Collection method: clinical testing. Allele origin: germline.
Comment: This sequence change replaces arginine, which is basic and polar, with tryptophan, which is neutral and slightly polar, at codon 3020 of the TRRAP protein (p.Arg3020Trp). This variant is present in population databases (rs771144775, gnomAD 0.0009%). This variant has not been reported in the literature in individuals affected with TRRAP-related conditions. Invitae Evidence Modeling of protein sequence and biophysical properties (such as structural, functional, and spatial information, amino acid conservation, physicochemical variation, residue mobility, and thermodynamic stability) indicates that this missense variant is expected to disrupt TRRAP protein function with a positive predictive value of 80%. In summary, the available evidence is currently insufficient to determine the role of this variant in disease. Therefore, it has been classified as a Variant of Uncertain Significance.